The following is an entry in ClinVar:

NM_000090.4(COL3A1):c.4253C>T (p.Thr1418Met)

Gene: COL3A1 (collagen type III alpha 1 chain; plus strand). Cytogenetic location: 2q32.2.
Variant type: single nucleotide variant.
Coding change: c.4253C>T on transcript NM_000090.4 (MANE Select); coding-DNA position 4253, C replaced by T.
Protein change: p.Thr1418Met; replaces threonine 1418 with methionine.
Molecular consequence: missense variant.
Genome position (GRCh38, 1-based): chr2:189,010,889, C>T. VCF-style: chr2-189010889-C-T. GRCh37 (hg19) VCF-style: chr2-189875615-C-T.
Other names: short protein forms T1418M.
Identifiers: ClinVar variation 919066 (VCV000919066.8), dbSNP rs1012915558, ClinGen allele CA349849732.
Genomic context (GRCh38, chr2:189,010,889, plus strand): 5'-GTGAATTCAAGGCTGAAGGAAATAGCAAATTCACCTACACAGTTCTGGAGGATGGTTGCA[C>T]GGTAGGAAACATTTTTCTCAATATAGGTCATAAAGCAGTCAGCATTTTAGTTTAATCATG-3'
Protein context (NP_000081.2, residues 1408-1428): FTYTVLEDGC[Thr1418Met]KHTGEWSKTV

ClinVar aggregate classification (germline): Uncertain significance. Review status: criteria provided, multiple submitters, no conflicts (2 of 4 stars). 4 submissions from 4 submitters: Uncertain significance (4). Last evaluated 2026-03-30.

Conditions:
Ehlers-Danlos syndrome, type 4 (EDSVASC). Also called: Ehlers-Danlos Syndrome Type IV; Ehlers-Danlos syndrome vascular type; Ehlers Danlos syndrome, ecchymotic type; Ehlers Danlos syndrome, arterial type; Ehlers Danlos syndrome, Sack-Barabas type. Identifiers: Orphanet 286, MedGen C0268338, MONDO:0017314, OMIM 130050.
Familial thoracic aortic aneurysm and aortic dissection (TAAD). Also called: Thoracic aortic aneurysms and dissections. Identifiers: Orphanet 91387, MedGen C4707243, MONDO:0019625.

Allele frequency attached by ClinVar (database versions not stated): gnomAD 0.00001; TOPMed 0.00001.
gnomAD v4.1: 8 of 1,613,754 alleles (0.0005%); highest among the groups gnomAD compares: African/African-American, 0.0013%; no homozygotes.

Submissions (4):

GeneDx
Classification: Uncertain significance. Last evaluated: 2026-03-30. Review status: criteria provided, single submitter. Criteria: GeneDx Variant Classification Process June 2021. Collection method: clinical testing. Allele origin: germline.
Comment: Not observed at significant frequency in large population cohorts (gnomAD); In silico analysis supports that this missense variant has a deleterious effect on protein structure/function; Not located in the triple helical region, where the majority of pathogenic missense variants occur (HGMD); Has not been previously published as pathogenic or benign to our knowledge

Color Diagnostics, LLC DBA Color Health
Classification: Uncertain significance for Familial thoracic aortic aneurysm and aortic dissection. Last evaluated: 2025-10-21. Review status: criteria provided, single submitter. Criteria: ACMG Guidelines, 2015. Collection method: clinical testing. Allele origin: germline.
Comment: This missense variant replaces threonine with methionine at codon 1418 of the COL3A1 protein. Computational prediction suggests that this variant may not impact protein structure and function. To our knowledge, functional studies have not been reported for this variant. This variant has not been reported in individuals affected with COL3A1-related disorders in the literature. This variant has been identified in 8/1613754 chromosomes in the general population by the Genome Aggregation Database (gnomAD). The available evidence is insufficient to determine the role of this variant in disease conclusively. Therefore, this variant is classified as a Variant of Uncertain Significance.

Labcorp Genetics (formerly Invitae), Labcorp
Classification: Uncertain significance for Ehlers-Danlos syndrome, type 4. Last evaluated: 2025-07-15. Review status: criteria provided, single submitter. Criteria: Invitae Variant Classification Sherloc (09022015). Collection method: clinical testing. Allele origin: germline.
Comment: This sequence change replaces threonine, which is neutral and polar, with methionine, which is neutral and non-polar, at codon 1418 of the COL3A1 protein (p.Thr1418Met). This variant is not present in population databases (gnomAD no frequency). This variant has not been reported in the literature in individuals affected with COL3A1-related conditions. ClinVar contains an entry for this variant (Variation ID: 919066). Experimental studies and prediction algorithms are not available or were not evaluated, and the functional significance of this variant is currently unknown. In summary, the available evidence is currently insufficient to determine the role of this variant in disease. Therefore, it has been classified as a Variant of Uncertain Significance.

All of Us Research Program, National Institutes of Health
Classification: Uncertain significance for Ehlers-Danlos syndrome, type 4. Last evaluated: 2023-12-18. Review status: criteria provided, single submitter. Criteria: ACMG Guidelines, 2015. Collection method: clinical testing. Allele origin: germline. Inheritance: Autosomal dominant inheritance. Observed: 3 variant alleles, 3 heterozygotes.
Comment: This missense variant replaces threonine with methionine at codon 1418 of the COL3A1 protein. Computational prediction suggests that this variant may not impact protein structure and function (internally defined REVEL score threshold <= 0.5, PMID: 27666373). Splice site prediction tools and conservation analysis are inconclusive regarding the impact of this variant on RNA splicing. To our knowledge, functional studies have not been performed for this variant. This variant has not been reported in individuals affected with cardiovascular disorders in the literature. This variant has not been identified in the general population by the Genome Aggregation Database (gnomAD). The available evidence is insufficient to determine the role of this variant in disease conclusively. Therefore, this variant is classified as a Variant of Uncertain Significance.

This study involves interpretation of variants in research participants for the purpose of population health screening. Participant phenotype was not available at the time of variant classification. Additional details can be found in publication PMID: 35346344, PMCID: PMC8962531